The following is an entry in ClinVar:

NM_001145252.3(CFP):c.1245-10_1245-9insAGGCACTCAATAAGAATTGAATGCATTCTTGCCTTCCCTGAGATTCTCCCTTCCGTTCCTCCCCACCCCTAGGGCCTG

Gene: CFP (complement factor properdin; minus strand). Cytogenetic location: Xp11.23.
Variant type: Insertion.
Coding change: c.1245-10_1245-9insAGGCACTCAATAAGAATTGAATGCATTCTTGCCTTCCCTGAGATTCTCCCTTCCGTTCCTCCCCACCCCTAGGGCCTG on transcript NM_001145252.3 (MANE Select); 10 bases into the intron before coding-DNA position 1245 through 9 bases into the intron before coding-DNA position 1245, AGGCACTCAATAAGAATTGAATGCATTCTTGCCTTCCCTGAGATTCTCCCTTCCGTTCCTCCCCACCCCTAGGGCCTG inserted.
Molecular consequence: intron variant.
Genome position: GRCh38: chrX:47,624,520-47,624,521. GRCh37 (hg19): chrX:47,483,919-47,483,920.
Other names: c.1245-10_1245-9insAGGCACTCAATAAGAATTGAATGCATTCTTGCCTTCCCTGAGATTCTCCCTTCCGTTCCTCCCCACCCCTAGGGCCTG (NM_002621.2).
Identifiers: ClinVar variation 1411578 (VCV001411578.6), dbSNP rs1569335024, ClinGen allele CA915866978.

ClinVar aggregate classification (germline): Uncertain significance (1 of 4 stars; one submission).

Submission:

Labcorp Genetics (formerly Invitae), Labcorp
Classification: Uncertain significance. Last evaluated: 2025-04-11. Review status: criteria provided, single submitter. Criteria: Invitae Variant Classification Sherloc (09022015). Collection method: clinical testing. Allele origin: germline.
Comment: This sequence change falls in intron 9 of the CFP gene. It does not directly change the encoded amino acid sequence of the CFP protein. This variant is not present in population databases (gnomAD no frequency). This variant has not been reported in the literature in individuals affected with CFP-related conditions. ClinVar contains an entry for this variant (Variation ID: 1411578). Experimental studies and prediction algorithms are not available or were not evaluated, and the effect of this variant on mRNA splicing is currently unknown. In summary, the available evidence is currently insufficient to determine the role of this variant in disease. Therefore, it has been classified as a Variant of Uncertain Significance.